The following is an entry in ClinVar:

NM_030631.4(SLC25A21):c.331-10A>G

Gene: SLC25A21 (solute carrier family 25 member 21; minus strand). Cytogenetic location: 14q13.3.
Variant type: single nucleotide variant.
Coding change: c.331-10A>G on transcript NM_030631.4 (MANE Select); 10 bases into the intron before coding-DNA position 331, A replaced by G.
Molecular consequence: intron variant.
Genome position (GRCh38, 1-based): chr14:36,725,687, T>C on the plus strand (A>G on the coding strand, the complement: SLC25A21 is on the minus strand). VCF-style: chr14-36725687-T-C. GRCh37 (hg19) VCF-style: chr14-37194892-T-C.
Other names: c.331-10A>G (NM_001171170.2).
Identifiers: ClinVar variation 3618273 (VCV003618273.2).

ClinVar aggregate classification (germline): Uncertain significance (1 of 4 stars; one submission).

gnomAD v4.1: 7 of 1,569,352 alleles (0.00045%); highest among the groups gnomAD compares: South Asian, 0.007%; no homozygotes.

Submission:

Labcorp Genetics (formerly Invitae), Labcorp
Classification: Uncertain significance. Last evaluated: 2024-03-21. Review status: criteria provided, single submitter. Criteria: Invitae Variant Classification Sherloc (09022015). Collection method: clinical testing. Allele origin: germline.
Comment: This sequence change falls in intron 5 of the SLC25A21 gene. It does not directly change the encoded amino acid sequence of the SLC25A21 protein. This variant is not present in population databases (gnomAD no frequency). This variant has not been reported in the literature in individuals affected with SLC25A21-related conditions. Algorithms developed to predict the effect of sequence changes on RNA splicing suggest that this variant may disrupt the consensus splice site. In summary, the available evidence is currently insufficient to determine the role of this variant in disease. Therefore, it has been classified as a Variant of Uncertain Significance.